The following is an entry in ClinVar:

ClinVar aggregate classification (germline): Uncertain significance. Review status: criteria provided, multiple submitters, no conflicts (2 of 4 stars). 2 submissions from 2 submitters: Uncertain significance (2). Last evaluated 2026-04-11.

Conditions:
Myoclonic dystonia 11 (DYT11). Also called: Myoclonic dystonia; Dystonia 11; Dystonia, alcohol responsive; Hereditary essential myoclonus; DYT-SGCE; SGCE Myoclonus-Dystonia. Identifiers: Orphanet 36899, MedGen C1834570, MONDO:0008044, OMIM 159900.
Inborn genetic diseases. Identifiers: MedGen C0950123, MeSH D030342.

gnomAD v4.1: 2 of 1,614,052 alleles (0.00012%); highest among the groups gnomAD compares: East Asian, 0.0022%; no homozygotes.

Submissions (2):

Ambry Genetics
Classification: Uncertain significance for Inborn genetic diseases. Last evaluated: 2026-04-11. Review status: criteria provided, single submitter. Criteria: Ambry Variant Classification Scheme 2023. Collection method: clinical testing. Allele origin: germline.

Labcorp Genetics (formerly Invitae), Labcorp
Classification: Uncertain significance for Myoclonic dystonia 11. Last evaluated: 2025-04-23. Review status: criteria provided, single submitter. Criteria: Invitae Variant Classification Sherloc (09022015). Collection method: clinical testing. Allele origin: germline.
Comment: This sequence change replaces serine, which is neutral and polar, with leucine, which is neutral and non-polar, at codon 203 of the SGCE protein (p.Ser203Leu). This variant is present in population databases (no rsID available, gnomAD 0.006%). This variant has not been reported in the literature in individuals affected with SGCE-related conditions. Invitae Evidence Modeling of protein sequence and biophysical properties (such as structural, functional, and spatial information, amino acid conservation, physicochemical variation, residue mobility, and thermodynamic stability) indicates that this missense variant is expected to disrupt SGCE protein function with a positive predictive value of 80%. In summary, the available evidence is currently insufficient to determine the role of this variant in disease. Therefore, it has been classified as a Variant of Uncertain Significance.

NM_003919.3(SGCE):c.608C>T (p.Ser203Leu)

Genes: CASD1 (CAS1 domain sialic acid O acetyltransferase 1; plus strand), SGCE (sarcoglycan epsilon; minus strand). Cytogenetic location: 7q21.3.
Variant type: single nucleotide variant.
Coding change: c.608C>T on transcript NM_003919.3 (MANE Select); coding-DNA position 608, C replaced by T.
Protein change: p.Ser203Leu; replaces serine 203 with leucine.
Molecular consequence: missense variant.
Genome position (GRCh38, 1-based): chr7:94,618,812, G>A on the plus strand (C>T on the coding strand, the complement: SGCE is on the minus strand). VCF-style: chr7-94618812-G-A. GRCh37 (hg19) VCF-style: chr7-94248124-G-A.
Other names: c.608C>T (NM_003919.2); c.335C>T, p.Ser112Leu (NM_001362808.2, NM_001346720.2); c.485C>T, p.Ser162Leu (NM_001362809.2, NM_001301139.2); c.608C>T, p.Ser203Leu (NM_001099400.2, NM_001099401.2, NM_001346717.2); c.716C>T, p.Ser239Leu (NM_001346713.2, NM_001346715.2); c.521C>T, p.Ser174Leu (NM_001346719.2, NM_001362807.2); short protein forms S112L, S239L, S162L, S203L, S174L.
Identifiers: ClinVar variation 4738807 (VCV004738807.2).